The following is an entry in ClinVar:

ClinVar aggregate classification (germline): Likely benign. Review status: criteria provided, multiple submitters, no conflicts (2 of 4 stars). 3 submissions from 3 submitters: Likely benign (2). 1 of the submissions does not count toward it. Last evaluated 2024-11-01.

Conditions:
DOCK3-related disorder. Also called: DOCK3-related condition.

Allele frequency attached by ClinVar (database versions not stated): ExAC 0.00038; ESP Exome Variant Server 0.00041; gnomAD 0.00042; TOPMed 0.00042; gnomAD exomes 0.00047 and 0.00065.
gnomAD v4.1: 990 of 1,613,808 alleles (0.061%); highest among the groups gnomAD compares: Non-Finnish European, 0.078%; no homozygotes.

Submissions (3):

Blueprint Genetics
Classification: Likely benign. Last evaluated: 2024-11-01. Review status: criteria provided, single submitter. Criteria: ACMG Guidelines, 2015. Collection method: clinical testing. Allele origin: germline.

Labcorp Genetics (formerly Invitae), Labcorp
Classification: Likely benign. Last evaluated: 2019-12-31. Review status: criteria provided, single submitter. Criteria: Invitae Variant Classification Sherloc (09022015). Collection method: clinical testing. Allele origin: germline.

PreventionGenetics, part of Exact Sciences
Classification: Likely benign for DOCK3-related condition. Last evaluated: 2019-02-27. Review status: no assertion criteria provided. Collection method: clinical testing. Allele origin: germline. Not counted in ClinVar's aggregate classification.
Comment: This variant is classified as likely benign based on ACMG/AMP sequence variant interpretation guidelines (Richards et al. 2015 PMID: 25741868, with internal and published modifications).

NM_004947.5(DOCK3):c.2277T>C (p.Ser759=)

Gene: DOCK3 (dedicator of cytokinesis 3; plus strand). Cytogenetic location: 3p21.2.
Variant type: single nucleotide variant.
Coding change: c.2277T>C on transcript NM_004947.5 (MANE Select); coding-DNA position 2277, T replaced by C.
Protein change: p.Ser759=; no amino-acid change (serine 759 retained).
Molecular consequence: synonymous variant.
Genome position (GRCh38, 1-based): chr3:51,260,248, T>C. VCF-style: chr3-51260248-T-C. GRCh37 (hg19) VCF-style: chr3-51297679-T-C.
Identifiers: ClinVar variation 723283 (VCV000723283.7), dbSNP rs372189733, ClinGen allele CA2421162.
Genomic context (GRCh38, chr3:51,260,248, plus strand): 5'-GTCACGGATCCTGTACTCACGAGCCACTTGTGGAATGGAAGAGGAACAATTCAGATCCAG[T>C]ATCCAAGAACTTTTCCAGTCCATCCGGTTTGTGCTCAGTCTGGACAGCCGAAACTCAGAA-3'
Protein context (NP_004938.1, residues 749-769): CGMEEEQFRS[Ser759=]IQELFQSIRF